The following is an entry in ClinVar:

ClinVar aggregate classification (germline): Uncertain significance (1 of 4 stars; one submission).

Submission:

GeneDx
Classification: Uncertain significance. Last evaluated: 2024-01-14. Review status: criteria provided, single submitter. Criteria: GeneDx Variant Classification Process June 2021. Collection method: clinical testing. Allele origin: germline. Affected: yes.
Comment: Not observed at significant frequency in large population cohorts (gnomAD); Frameshift variant predicted to result in protein truncation or nonsense mediated decay in a gene or region of a gene for which loss of function is not a well-established mechanism of disease; Has not been previously published as pathogenic or benign to our knowledge

NM_002755.4(MAP2K1):c.902dup (p.Met302fs)

Gene: MAP2K1 (mitogen-activated protein kinase kinase 1; plus strand). Cytogenetic location: 15q22.31.
Variant type: Duplication.
Coding change: c.902dup on transcript NM_002755.4 (MANE Select); coding-DNA position 902, one base duplicated (G; older notation c.902dupG).
Protein change: p.Met302fs; shifts the reading frame from methionine 302.
Molecular consequence: frameshift variant.
Genome position (GRCh38, 1-based): chr15:66,487,234, G duplicated; the last of 2 consecutive G bases (chr15:66,487,233-66,487,234); duplicating either gives the same sequence. VCF-style (leftmost placement, unchanged base first): chr15-66487232-C-CG. GRCh37 (hg19) VCF-style: chr15-66779570-C-CG.
Other names: c.758dup, p.Met254fs (NM_001411065.1); short protein forms M254fs, M302fs.
Identifiers: ClinVar variation 3367787 (VCV003367787.1).